The following is an entry in ClinVar:

ClinVar aggregate classification (germline): Pathogenic/Likely pathogenic. Review status: criteria provided, multiple submitters, no conflicts (2 of 4 stars). 2 submissions from 2 submitters: Pathogenic (1); Likely pathogenic (1). Last evaluated 2026-03-20.

Conditions:
Familial thoracic aortic aneurysm and aortic dissection (TAAD). Also called: Thoracic aortic aneurysms and dissections. Identifiers: Orphanet 91387, MedGen C4707243, MONDO:0019625.
Marfan syndrome (MFS). Also called: Marfan syndrome type 1; Marfan's syndrome; Marfan syndrome, classic; MARFAN SYNDROME, TYPE I; FBN1-Related Marfan Syndrome. Identifiers: Orphanet 284963, Orphanet 558, MedGen C0024796, MONDO:0007947, OMIM 154700.

Submissions (2):

GeneDx
Classification: Likely pathogenic. Last evaluated: 2026-03-20. Review status: criteria provided, single submitter. Criteria: GeneDx Variant Classification Process June 2021. Collection method: clinical testing. Allele origin: germline.
Comment: Not observed at significant frequency in large population cohorts (gnomAD); In silico analysis supports that this missense variant has a deleterious effect on protein structure/function; Does not affect a cysteine or calcium-binding residue within an EGF-like domain or a TGF-binding protein domain of the FBN1 gene; cysteine substitutions in the EGF-like domains represent the majority of pathogenic missense changes associated with FBN1-related disorders (PMID: 12938084); This variant is associated with the following publications: (PMID: 16222657, 24941995, 12938084, 31053375)

Labcorp Genetics (formerly Invitae), Labcorp
Classification: Pathogenic for Marfan syndrome; Familial thoracic aortic aneurysm and aortic dissection. Last evaluated: 2023-10-14. Review status: criteria provided, single submitter. Criteria: Invitae Variant Classification Sherloc (09022015). Collection method: clinical testing. Allele origin: germline.
Comment: This sequence change replaces proline, which is neutral and non-polar, with serine, which is neutral and polar, at codon 1424 of the FBN1 protein (p.Pro1424Ser). This variant is not present in population databases (gnomAD no frequency). This missense change has been observed in individuals with FBN1-related conditions (PMID: 16222657, 31053375). It has also been observed to segregate with disease in related individuals. ClinVar contains an entry for this variant (Variation ID: 1073640). Advanced modeling of protein sequence and biophysical properties (such as structural, functional, and spatial information, amino acid conservation, physicochemical variation, residue mobility, and thermodynamic stability) performed at Invitae indicates that this missense variant is expected to disrupt FBN1 protein function. For these reasons, this variant has been classified as Pathogenic.

Literature cited by the submitters: PubMed 16222657 (cited by Labcorp Genetics (formerly Invitae), Labcorp); PubMed 31053375 (cited by Labcorp Genetics (formerly Invitae), Labcorp).

NM_000138.5(FBN1):c.4270C>T (p.Pro1424Ser)

Genes: FBN1 (fibrillin 1; minus strand), LOC126862124 (CDK7 strongly-dependent group 2 enhancer GRCh37_chr15:48764566-48765765; plus strand). Cytogenetic location: 15q21.1.
Variant type: single nucleotide variant.
Coding change: c.4270C>T on transcript NM_000138.5 (MANE Select); coding-DNA position 4270, C replaced by T.
Protein change: p.Pro1424Ser; replaces proline 1424 with serine.
Molecular consequence: missense variant.
Genome position (GRCh38, 1-based): chr15:48,472,617, G>A on the plus strand (C>T on the coding strand, the complement: FBN1 is on the minus strand). VCF-style: chr15-48472617-G-A. GRCh37 (hg19) VCF-style: chr15-48764814-G-A.
Other names: c.4270C>T (NM_000138.4); short protein forms P1424S.
Identifiers: ClinVar variation 1073640 (VCV001073640.10), dbSNP rs201273753, ClinGen allele CA392317819.